The following is an entry in ClinVar:

NM_005045.4(RELN):c.4711C>T (p.Pro1571Ser)

Gene: RELN (reelin; minus strand). Cytogenetic location: 7q22.1.
Variant type: single nucleotide variant.
Coding change: c.4711C>T on transcript NM_005045.4 (MANE Select); coding-DNA position 4711, C replaced by T.
Protein change: p.Pro1571Ser; replaces proline 1571 with serine.
Molecular consequence: missense variant.
Genome position (GRCh38, 1-based): chr7:103,566,637, G>A on the plus strand (C>T on the coding strand, the complement: RELN is on the minus strand). VCF-style: chr7-103566637-G-A. GRCh37 (hg19) VCF-style: chr7-103207084-G-A.
Other names: c.4711C>T, p.Pro1571Ser (NM_173054.3); short protein forms P1571S.
Identifiers: ClinVar variation 3367842 (VCV003367842.1).
Genomic context (GRCh38, chr7:103,566,637, plus strand): 5'-AAGCTGGAGTGAGCAGTAACTTACCATGTTGCGGTTGCCACCATCGAAATGCCGTTGCAG[G>A]TGTCTTCGCGTCCTGTGGCAGGTCAATGGAAATGATCTGTGGTTCCAGGAAGGACATGAA-3'
Protein context (NP_005036.2, residues 1561-1581): SIDLPQDAKT[Pro1571Ser]ATAFRWWQPQ

ClinVar aggregate classification (germline): Uncertain significance (1 of 4 stars; one submission).

Submission:

GeneDx
Classification: Uncertain significance. Last evaluated: 2024-01-24. Review status: criteria provided, single submitter. Criteria: GeneDx Variant Classification Process June 2021. Collection method: clinical testing. Allele origin: germline. Affected: yes.
Comment: Not observed at significant frequency in large population cohorts (gnomAD); In silico analysis supports that this missense variant has a deleterious effect on protein structure/function; Has not been previously published as pathogenic or benign to our knowledge